The following is an entry in ClinVar:

ClinVar aggregate classification (germline): Uncertain significance (1 of 4 stars; one submission).

Conditions:
Inborn genetic diseases. Identifiers: MedGen C0950123, MeSH D030342.

Submission:

Ambry Genetics
Classification: Uncertain significance for Inborn genetic diseases. Last evaluated: 2026-01-14. Review status: criteria provided, single submitter. Criteria: Ambry Variant Classification Scheme 2023. Collection method: clinical testing. Allele origin: germline.
Comment: The p.T233I variant (also known as c.698C>T), located in coding exon 1 of the SAMD9L gene, results from a C to T substitution at nucleotide position 698. The threonine at codon 233 is replaced by isoleucine, an amino acid with similar properties. This amino acid position is conserved. In addition, the in silico prediction for this alteration is inconclusive. Based on the available evidence, the clinical significance of this variant remains unclear.

NM_152703.5(SAMD9L):c.698C>T (p.Thr233Ile)

Gene: SAMD9L (sterile alpha motif domain containing 9 like; minus strand). Cytogenetic location: 7q21.2.
Variant type: single nucleotide variant.
Coding change: c.698C>T on transcript NM_152703.5 (MANE Select); coding-DNA position 698, C replaced by T.
Protein change: p.Thr233Ile; replaces threonine 233 with isoleucine.
Molecular consequence: missense variant.
Genome position (GRCh38, 1-based): chr7:93,135,274, G>A on the plus strand (C>T on the coding strand, the complement: SAMD9L is on the minus strand). VCF-style: chr7-93135274-G-A. GRCh37 (hg19) VCF-style: chr7-92764587-G-A.
Other names: c.698C>T, p.Thr233Ile (NM_001303496.3, NM_001303497.3, NM_001303498.3 and 5 more transcripts); short protein forms T233I.
Identifiers: ClinVar variation 4842047 (VCV004842047.1).